The following is an entry in ClinVar:

NM_001195518.2(MICU1):c.493+1G>A

Gene: MICU1 (mitochondrial calcium uptake 1; minus strand). Cytogenetic location: 10q22.1.
Variant type: single nucleotide variant.
Coding change: c.493+1G>A on transcript NM_001195518.2 (MANE Select); the canonical splice donor site of the intron after coding-DNA position 493, G replaced by A.
Molecular consequence: splice donor variant.
Genome position (GRCh38, 1-based): chr10:72,551,178, C>T on the plus strand (G>A on the coding strand, the complement: MICU1 is on the minus strand). VCF-style: chr10-72551178-C-T. GRCh37 (hg19) VCF-style: chr10-74310936-C-T.
Other names: c.493+1G>A (NM_006077.4, NM_001363513.2).
Identifiers: ClinVar variation 1514251 (VCV001514251.6), dbSNP rs375775506, ClinGen allele CA5550273.

ClinVar aggregate classification (germline): Likely pathogenic (1 of 4 stars; one submission).

Allele frequency attached by ClinVar (database versions not stated): gnomAD 0.00006; TOPMed 0.00006; ESP Exome Variant Server 0.00017.
gnomAD v4.1: 16 of 1,595,726 alleles (0.001%); highest among the groups gnomAD compares: African/African-American, 0.0095%; no homozygotes.

Submission:

Labcorp Genetics (formerly Invitae), Labcorp
Classification: Likely pathogenic. Last evaluated: 2025-01-02. Review status: criteria provided, single submitter. Criteria: Invitae Variant Classification Sherloc (09022015). Collection method: clinical testing. Allele origin: germline.
Comment: This sequence change affects a donor splice site in intron 4 of the MICU1 gene. It is expected to disrupt RNA splicing. Variants that disrupt the donor or acceptor splice site typically lead to a loss of protein function (PMID: 16199547), and loss-of-function variants in MICU1 are known to be pathogenic (PMID: 24336167). The frequency data for this variant in the population databases is considered unreliable, as metrics indicate poor data quality at this position in the gnomAD database. This variant has not been reported in the literature in individuals affected with MICU1-related conditions. ClinVar contains an entry for this variant (Variation ID: 1514251). Algorithms developed to predict the effect of sequence changes on RNA splicing suggest that this variant may disrupt the consensus splice site. In summary, the currently available evidence indicates that the variant is pathogenic, but additional data are needed to prove that conclusively. Therefore, this variant has been classified as Likely Pathogenic.

Literature cited by the submitters: PubMed 16199547; PubMed 24336167.